The following is an entry in ClinVar:

NM_001128203.2(PLAAT3):c.387+2T>C

Gene: PLAAT3 (phospholipase A and acyltransferase 3; minus strand). Cytogenetic location: 11q12.3.
Variant type: single nucleotide variant.
Coding change: c.387+2T>C on transcript NM_001128203.2 (MANE Select); the canonical splice donor site of the intron after coding-DNA position 387, T replaced by C.
Molecular consequence: splice donor variant.
Genome position (GRCh38, 1-based): chr11:63,590,098, A>G on the plus strand (T>C on the coding strand, the complement: PLAAT3 is on the minus strand). VCF-style: chr11-63590098-A-G. GRCh37 (hg19) VCF-style: chr11-63357570-A-G.
Other names: c.387+2T>C (NM_007069.3).
Identifiers: ClinVar variation 4845839 (VCV004845839.1).

ClinVar aggregate classification (germline): Likely pathogenic (1 of 4 stars; one submission).

Conditions:
Lipodystrophy, familial partial, type 9. Identifiers: Orphanet 686999, MedGen C5882746, MONDO:0958034, OMIM 620683.

gnomAD v4.1: 4 of 1,612,754 alleles (0.00025%); highest among the groups gnomAD compares: Middle Eastern, 0.034%; no homozygotes.

Submission:

First Genomix Gene Laboratory, Genetic Diagnostics Department
Classification: Likely pathogenic for Lipodystrophy, familial partial, type 9. Last evaluated: 2025-03-27. Review status: criteria provided, single submitter. Criteria: ACMG Guidelines, 2015. Collection method: clinical testing. Allele origin: germline. Inheritance: Autosomal recessive inheritance. Affected: no. Observed: 1 variant allele.